The following is an entry in ClinVar:

NM_000059.4(BRCA2):c.8011_8016dup (p.Ile2672_Lys2673insAlaIle)

Gene: BRCA2 (BRCA2 DNA repair associated; plus strand). Cytogenetic location: 13q13.1.
Variant type: Duplication.
Coding change: c.8011_8016dup on transcript NM_000059.4 (MANE Select); coding-DNA positions 8011 to 8016, 6 bases duplicated (GCTATA; older notation c.8011_8016dupGCTATA).
Protein change: p.Ile2672_Lys2673insAlaIle.
Molecular consequence: inframe insertion. On other transcripts: non-coding transcript variant (1).
Genome position (GRCh38, 1-based): chr13:32,363,213-32,363,218, GCTATA duplicated. VCF-style (leftmost placement, unchanged base first): chr13-32363212-G-GGCTATA. GRCh37 (hg19) VCF-style: chr13-32937349-G-GGCTATA.
Other names: c.7915_7920dup, p.Ile2640_Lys2641insAlaIle (NM_001406719.1); c.8011_8016dup, p.Ile2672_Lys2673insAlaIle (NM_001406720.1, NM_001432077.1); c.3079_3084dup, p.Ile1028_Lys1029insAlaIle (NM_001406721.1); c.1594_1599dup, p.Ile533_Lys534insAlaIle (NM_001406722.1).
Identifiers: ClinVar variation 4712521 (VCV004712521.1).

ClinVar aggregate classification (germline): Uncertain significance (1 of 4 stars; one submission).

Conditions:
Hereditary breast ovarian cancer syndrome. Also called: BRCA1- and BRCA2-Associated Hereditary Breast and Ovarian Cancer; Breast and ovarian cancer; Hereditary breast and ovarian cancer syndrome; Hereditary breast and ovarian cancer syndrome (HBOC); Hereditary breast and/or ovarian cancer syndrome; Hereditary breast and ovarian cancer. Identifiers: Orphanet 145, MedGen C0677776, MeSH D061325, MONDO:0003582. Disease mechanism: loss of function.

Submission:

Labcorp Genetics (formerly Invitae), Labcorp
Classification: Uncertain significance for Hereditary breast ovarian cancer syndrome. Last evaluated: 2025-02-07. Review status: criteria provided, single submitter. Criteria: Invitae Variant Classification Sherloc (09022015). Collection method: clinical testing. Allele origin: germline.
Comment: This variant, c.8011_8016dup, results in the insertion of 2 amino acid(s) of the BRCA2 protein (p.Ala2671_Ile2672dup), but otherwise preserves the integrity of the reading frame. This variant is not present in population databases (gnomAD no frequency). This variant has not been reported in the literature in individuals affected with BRCA2-related conditions. In summary, the available evidence is currently insufficient to determine the role of this variant in disease. Therefore, it has been classified as a Variant of Uncertain Significance.